The following is an entry in ClinVar:

ClinVar aggregate classification (germline): Pathogenic (1 of 4 stars; one submission).

Conditions:
Hereditary cancer-predisposing syndrome. Also called: Neoplastic Syndromes, Hereditary; Tumor predisposition; Hereditary neoplastic syndrome; Hereditary Cancer Syndrome. Identifiers: Orphanet 140162, MedGen C0027672, MeSH D009386, MONDO:0015356.

Submission:

Ambry Genetics
Classification: Pathogenic for Hereditary cancer-predisposing syndrome. Last evaluated: 2023-01-11. Review status: criteria provided, single submitter. Criteria: Ambry Variant Classification Scheme 2023. Collection method: clinical testing. Allele origin: germline.
Comment: The c.3262_3263dupCC pathogenic mutation, located in coding exon 10 of the BRCA2 gene, results from a duplication of CC at nucleotide position 3262, causing a translational frameshift with a predicted alternate stop codon (p.Q1089Lfs*16). This alteration is expected to result in loss of function by premature protein truncation or nonsense-mediated mRNA decay. As such, this alteration is interpreted as a disease-causing mutation.

NM_000059.4(BRCA2):c.3262_3263dup (p.Gln1089fs)

Gene: BRCA2 (BRCA2 DNA repair associated; plus strand). Cytogenetic location: 13q13.1.
Variant type: Duplication.
Coding change: c.3262_3263dup on transcript NM_000059.4 (MANE Select); coding-DNA positions 3262 to 3263, 2 bases duplicated (CC; older notation c.3262_3263dupCC).
Protein change: p.Gln1089fs; shifts the reading frame from glutamine 1089.
Molecular consequence: frameshift variant. On other transcripts: non-coding transcript variant (1), intron variant (2).
Genome position (GRCh38, 1-based): chr13:32,337,617-32,337,618, CC duplicated; duplicating any 2 consecutive bases within chr13:32,337,615-32,337,618 gives the same sequence; the c. name uses the placement nearest the transcript's 3' end. VCF-style (leftmost placement, unchanged base first): chr13-32337614-A-ACC. GRCh37 (hg19) VCF-style: chr13-32911751-A-ACC.
Other names: c.3262_3263dup, p.Gln1089fs (NM_001406719.1, NM_001406720.1); c.1909+4230_1909+4231dup (NM_001406721.1); c.424+6587_424+6588dup (NM_001406722.1); c.3262_3263dupCC (NM_000059.3); short protein forms Q1089fs.
Identifiers: ClinVar variation 2451520 (VCV002451520.2), dbSNP rs80359379, ClinGen allele CA2580087060.